The following is an entry in ClinVar:

NM_001039591.3(USP9X):c.4417G>A (p.Val1473Ile)

Gene: USP9X (ubiquitin specific peptidase 9 X-linked; plus strand). Cytogenetic location: Xp11.4.
Variant type: single nucleotide variant.
Coding change: c.4417G>A on transcript NM_001039591.3 (MANE Select); coding-DNA position 4417, G replaced by A.
Protein change: p.Val1473Ile; replaces valine 1473 with isoleucine.
Molecular consequence: missense variant.
Genome position (GRCh38, 1-based): chrX:41,198,564, G>A. VCF-style: chrX-41198564-G-A. GRCh37 (hg19) VCF-style: chrX-41057817-G-A.
Other names: c.4417G>A, p.Val1473Ile (NM_001039590.3); c.4432G>A, p.Val1478Ile (NM_001410748.1, NM_001410749.1); short protein forms V1473I, V1478I.
Identifiers: ClinVar variation 3665127 (VCV003665127.2).

ClinVar aggregate classification (germline): Uncertain significance (1 of 4 stars; one submission).

gnomAD v4.1: 11 of 1,206,554 alleles (0.00091%); highest among the groups gnomAD compares: Non-Finnish European, 0.0012%; no homozygotes.

Submission:

Labcorp Genetics (formerly Invitae), Labcorp
Classification: Uncertain significance. Last evaluated: 2024-11-18. Review status: criteria provided, single submitter. Criteria: Invitae Variant Classification Sherloc (09022015). Collection method: clinical testing. Allele origin: germline.
Comment: This sequence change replaces valine, which is neutral and non-polar, with isoleucine, which is neutral and non-polar, at codon 1473 of the USP9X protein (p.Val1473Ile). This variant is not present in population databases (gnomAD no frequency). This variant has not been reported in the literature in individuals affected with USP9X-related conditions. An algorithm developed to predict the effect of missense changes on protein structure and function (PolyPhen-2) suggests that this variant is likely to be tolerated. In summary, the available evidence is currently insufficient to determine the role of this variant in disease. Therefore, it has been classified as a Variant of Uncertain Significance.